The following is an entry in ClinVar:

NM_032043.3(BRIP1):c.1989C>G (p.Thr663=)

Gene: BRIP1 (BRCA1 interacting DNA helicase 1; minus strand). Cytogenetic location: 17q23.2.
Variant type: single nucleotide variant.
Coding change: c.1989C>G on transcript NM_032043.3 (MANE Select); coding-DNA position 1989, C replaced by G.
Protein change: p.Thr663=; no amino-acid change (threonine 663 retained).
Molecular consequence: synonymous variant.
Genome position (GRCh38, 1-based): chr17:61,776,509, G>C on the plus strand (C>G on the coding strand, the complement: BRIP1 is on the minus strand). VCF-style: chr17-61776509-G-C. GRCh37 (hg19) VCF-style: chr17-59853870-G-C.
Identifiers: ClinVar variation 491426 (VCV000491426.18), dbSNP rs376628979, ClinGen allele CA501150181.

ClinVar aggregate classification (germline): Benign/Likely benign. Review status: criteria provided, multiple submitters, no conflicts (2 of 4 stars). 6 submissions from 6 submitters: Benign (1); Likely benign (4). 1 of the submissions does not count toward it. Last evaluated 2025-04-17.

Conditions:
BRIP1-related disorder. Also called: BRIP1-related condition; BRIP1-related disorders. Identifiers: MedGen CN239206.
Hereditary cancer-predisposing syndrome. Also called: Tumor predisposition; Neoplastic Syndromes, Hereditary; Hereditary Cancer Syndrome; Hereditary neoplastic syndrome. Identifiers: Orphanet 140162, MedGen C0027672, MeSH D009386, MONDO:0015356.
Fanconi anemia complementation group J. Also called: BRIP1-Related Fanconi Anemia. Identifiers: Orphanet 84, MedGen C1836860, MONDO:0012187, OMIM 609054.
Familial cancer of breast. Also called: BREAST CANCER, FAMILIAL; hereditary breast carcinoma; Hereditary breast cancer. Identifiers: Orphanet 227535, MedGen C0346153, MONDO:0016419, OMIM 114480. Disease mechanism: loss of function.

Submissions (6):

Labcorp Genetics (formerly Invitae), Labcorp
Classification: Likely benign for Familial cancer of breast; Fanconi anemia complementation group J. Last evaluated: 2025-04-17. Review status: criteria provided, single submitter. Criteria: Invitae Variant Classification Sherloc (09022015). Collection method: clinical testing. Allele origin: germline.

Myriad Genetics, Inc.
Classification: Benign for Familial cancer of breast. Last evaluated: 2024-09-03. Review status: criteria provided, single submitter. Criteria: Myriad Autosomal Dominant, Autosomal Recessive and X-Linked Classification Criteria (2023). Collection method: clinical testing. Allele origin: unknown.
Comment: This variant is considered benign. This variant is a silent/synonymous amino acid change and it is not expected to impact splicing.

Sema4
Classification: Likely benign for Hereditary cancer-predisposing syndrome. Last evaluated: 2022-02-16. Review status: criteria provided, single submitter. Criteria: Sema4 Curation Guidelines. Collection method: curation. Allele origin: germline.

Ambry Genetics
Classification: Likely benign for Hereditary cancer-predisposing syndrome. Last evaluated: 2021-02-05. Review status: criteria provided, single submitter. Criteria: Ambry Variant Classification Scheme 2023. Collection method: clinical testing. Allele origin: germline.

Color Diagnostics, LLC DBA Color Health
Classification: Likely benign for Hereditary cancer-predisposing syndrome. Last evaluated: 2017-06-22. Review status: criteria provided, single submitter. Criteria: ACMG Guidelines, 2015. Collection method: clinical testing. Allele origin: germline.

PreventionGenetics, part of Exact Sciences
Classification: Likely benign for BRIP1-related condition. Last evaluated: 2023-04-20. Review status: no assertion criteria provided. Collection method: clinical testing. Allele origin: germline. Not counted in ClinVar's aggregate classification.
Comment: This variant is classified as likely benign based on ACMG/AMP sequence variant interpretation guidelines (Richards et al. 2015 PMID: 25741868, with internal and published modifications).